The following is an entry in ClinVar:

ClinVar aggregate classification (germline): Pathogenic. Review status: criteria provided, multiple submitters, no conflicts (2 of 4 stars). 3 submissions from 3 submitters: Pathogenic (3). Last evaluated 2025-02-21.

Conditions:
Gaucher disease. Also called: Acute cerebral Gaucher disease; Cerebroside lipidosis syndrome; Gaucher splenomegaly; Sphingolipidosis 1; Glucocerebrosidosis; Glucosylceramidase deficiency. Identifiers: Orphanet 355, MedGen C0017205, MONDO:0018150.

Submissions (3):

Women's Health and Genetics/Laboratory Corporation of America, LabCorp
Classification: Pathogenic for Gaucher disease. Last evaluated: 2025-02-21. Review status: criteria provided, single submitter. Criteria: LabCorp Variant Classification Summary - May 2015. Collection method: clinical testing. Allele origin: germline.
Comment: Variant summary: GBA1 c.1348T>A (p.Phe450Ile) results in a non-conservative amino acid change in the encoded protein sequence. Five of five in-silico tools predict a damaging effect of the variant on protein function. The variant was absent in 280956 control chromosomes (gnomAD). c.1348T>A has been reported in the literature in multiple individuals affected with Gaucher Disease (Cormand_1998. Daz-Font_2003, Mucci_2015, Smith_2015, Irn_2020). These data indicate that the variant is very likely to be associated with disease. To our knowledge, no experimental evidence demonstrating an impact on protein function has been reported. The following publications have been ascertained in the context of this evaluation (PMID: 9516376, 9856561, 12589426, 32126008, 26142329, 18429048, 26043810). ClinVar contains an entry for this variant (Variation ID: 496800). Based on the evidence outlined above, the variant was classified as pathogenic.

Natera, Inc.
Classification: Pathogenic for Gaucher disease. Last evaluated: 2024-10-28. Review status: criteria provided, single submitter. Criteria: Natera Variant Classification Schema (03/2026). Collection method: clinical testing. Allele origin: germline.
Comment: The c.1348T>A variant in GBA1 is a missense variant predicted to cause substitution of phenylalanine to isoleucine at amino acid 450. This variant is rare in the general population with a frequency below the threshold expected for the associated phenotype(s). This variant has been observed in one or more individuals affected with the associated recessive disease, as either homozygous or compound heterozygous with a second variant (PMID: 9856561, 23386328, 32126008, 34134921). Computational prediction algorithms indicate this variant is likely to affect gene or protein function. Given the available evidence, this variant is classified as Pathogenic.

Eurofins Ntd Llc (ga)
Classification: Pathogenic. Last evaluated: 2017-02-07. Review status: criteria provided, single submitter. Criteria: EGL Classification Definitions 2015. Collection method: clinical testing. Allele origin: germline. Observed: 10 variant alleles, 5 heterozygotes, 5 homozygotes.

Literature cited by the submitters: PubMed 18429048 (cited by Women's Health and Genetics/Laboratory Corporation of America, LabCorp); PubMed 26043810 (cited by Women's Health and Genetics/Laboratory Corporation of America, LabCorp); PubMed 9516376 (cited by Women's Health and Genetics/Laboratory Corporation of America, LabCorp); PubMed 9856561 (cited by 3 submitters); PubMed 12589426 (cited by Women's Health and Genetics/Laboratory Corporation of America, LabCorp); PubMed 32126008 (cited by Women's Health and Genetics/Laboratory Corporation of America, LabCorp and Natera, Inc.); PubMed 26142329 (cited by Women's Health and Genetics/Laboratory Corporation of America, LabCorp); PubMed 23386328 (cited by Natera, Inc.); PubMed 34134921 (cited by Natera, Inc.).

NM_000157.4(GBA1):c.1348T>A (p.Phe450Ile)

Genes: GBA1 (glucosylceramidase beta 1; minus strand), LOC106627981 (GBA recombination region; plus strand). Cytogenetic location: 1q22.
Variant type: single nucleotide variant.
Coding change: c.1348T>A on transcript NM_000157.4 (MANE Select); coding-DNA position 1348, T replaced by A.
Protein change: p.Phe450Ile; replaces phenylalanine 450 with isoleucine.
Molecular consequence: missense variant.
Genome position (GRCh38, 1-based): chr1:155,235,721, A>T on the plus strand (T>A on the coding strand, the complement: GBA1 is on the minus strand). VCF-style: chr1-155235721-A-T. GRCh37 (hg19) VCF-style: chr1-155205512-A-T.
Other names: c.1348T>A, p.Phe450Ile (NM_001005741.3, NM_001005742.3); c.1087T>A, p.Phe363Ile (NM_001171811.2); c.1201T>A, p.Phe401Ile (NM_001171812.2); c.1348T>A (NM_000157.3); short protein forms F450I, F363I, F401I.
Identifiers: ClinVar variation 496800 (VCV000496800.7), dbSNP rs1553216985, ClinGen allele CA342712792.